The following is an entry in ClinVar:

ClinVar aggregate classification (germline): Uncertain significance (1 of 4 stars; one submission).

Conditions:
Immunodeficiency 25. Also called: Immunodeficiency due to defect in cd3-zeta, somatic. Identifiers: MedGen C1857798, MONDO:0012426, OMIM 610163.

Allele frequency attached by ClinVar (database versions not stated): ExAC 0.00001; gnomAD exomes 0.00001.
gnomAD v4.1: 3 of 1,614,124 alleles (0.00019%); highest among the groups gnomAD compares: Admixed American, 0.0033%; no homozygotes.

Submission:

Labcorp Genetics (formerly Invitae), Labcorp
Classification: Uncertain significance for Immunodeficiency 25. Last evaluated: 2022-07-26. Review status: criteria provided, single submitter. Criteria: Invitae Variant Classification Sherloc (09022015). Collection method: clinical testing. Allele origin: germline.
Comment: This sequence change replaces alanine, which is neutral and non-polar, with threonine, which is neutral and polar, at codon 59 of the CD247 protein (p.Ala59Thr). This variant is present in population databases (rs767112686, gnomAD 0.006%). This variant has not been reported in the literature in individuals affected with CD247-related conditions. ClinVar contains an entry for this variant (Variation ID: 1484636). Algorithms developed to predict the effect of missense changes on protein structure and function output the following: SIFT: "Tolerated"; PolyPhen-2: "Benign"; Align-GVGD: "Class C0". The threonine amino acid residue is found in multiple mammalian species, which suggests that this missense change does not adversely affect protein function. In summary, the available evidence is currently insufficient to determine the role of this variant in disease. Therefore, it has been classified as a Variant of Uncertain Significance.

NM_198053.3(CD247):c.175G>A (p.Ala59Thr)

Gene: CD247 (CD247 molecule; minus strand). Cytogenetic location: 1q24.2.
Variant type: single nucleotide variant.
Coding change: c.175G>A on transcript NM_198053.3 (MANE Select); coding-DNA position 175, G replaced by A.
Protein change: p.Ala59Thr; replaces alanine 59 with threonine.
Molecular consequence: missense variant.
Genome position (GRCh38, 1-based): chr1:167,439,388, C>T on the plus strand (G>A on the coding strand, the complement: CD247 is on the minus strand). VCF-style: chr1-167439388-C-T. GRCh37 (hg19) VCF-style: chr1-167408625-C-T.
Other names: c.175G>A, p.Ala59Thr (NM_000734.4); c.268G>A, p.Ala90Thr (NM_001378515.1, NM_001378516.1); short protein forms A59T, A90T.
Identifiers: ClinVar variation 1484636 (VCV001484636.6), dbSNP rs767112686, ClinGen allele CA1226076.